The following is an entry in ClinVar:

NM_000302.4(PLOD1):c.1584+21dup

Gene: PLOD1 (procollagen-lysine,2-oxoglutarate 5-dioxygenase 1; plus strand). Cytogenetic location: 1p36.22.
Variant type: Duplication.
Coding change: c.1584+21dup on transcript NM_000302.4 (MANE Select); 21 bases into the intron after coding-DNA position 1584, one base duplicated (T; older notation c.1584+21dupT).
Molecular consequence: intron variant.
Genome position (GRCh38, 1-based): chr1:11,965,614, T duplicated. VCF-style (leftmost placement, unchanged base first): chr1-11965613-A-AT. GRCh37 (hg19) VCF-style: chr1-12025670-A-AT.
Other names: c.1584+21dupT (NM_000302.4); c.1725+21dup (NM_001316320.2).
Identifiers: ClinVar variation 4853131 (VCV004853131.1).

ClinVar aggregate classification (germline): Likely benign (1 of 4 stars; one submission).

Submission:

Women's Health and Genetics/Laboratory Corporation of America, LabCorp
Classification: Likely benign. Last evaluated: 2026-05-13. Review status: criteria provided, single submitter. Criteria: LabCorp Variant Classification Summary - May 2015. Collection method: clinical testing. Allele origin: germline.
Comment: Variant summary: PLOD1 c.1584+21dupT is located at a position not widely known to affect splicing. Consensus agreement among computation tools predict no significant impact on normal splicing. However, these predictions have yet to be confirmed by functional studies. The variant allele was found at a frequency of 1.2e-05 in 249118 control chromosomes. The available data on variant occurrences in the general population are insufficient to allow any conclusion about variant significance. To our knowledge, no occurrence of c.1584+21dupT in individuals affected with PLOD1-related conditions and no experimental evidence demonstrating its impact on protein function have been reported. No submitters have cited clinical-significance assessments for this variant to ClinVar. Based on the evidence outlined above, the variant was classified as likely benign.